The following is an entry in ClinVar:

NM_000883.4(IMPDH1):c.31_52del (p.Gln11fs)

Genes: IMPDH1 (inosine monophosphate dehydrogenase 1; minus strand), LOC129999258 (ATAC-STARR-seq lymphoblastoid silent region 18606; plus strand). Cytogenetic location: 7q32.1.
Variant type: Deletion.
Coding change: c.31_52del on transcript NM_000883.4 (MANE Select); coding-DNA positions 31 to 52, 22 bases deleted (CAGGGAGGCGGAGCCGCCGCTG).
Protein change: p.Gln11fs; shifts the reading frame from glutamine 11.
Molecular consequence: frameshift variant.
Genome position (GRCh38, 1-based): chr7:128,409,850-128,409,871, CAGCGGCGGCTCCGCCTCCCTG deleted on the plus strand (CAGGGAGGCGGAGCCGCCGCTG on the coding strand, the reverse complement: IMPDH1 is on the minus strand); deleting any 22 consecutive bases within chr7:128,409,850-128,409,877 gives the same sequence; the c. name uses the placement nearest the transcript's 3' end. VCF-style (leftmost placement, unchanged base first): chr7-128409849-ACAGCGGCGGCTCCGCCTCCCTG-A. GRCh37 (hg19) VCF-style: chr7-128049903-ACAGCGGCGGCTCCGCCTCCCTG-A.
Other names: c.31_52del, p.Gln11fs (NM_001102605.2, NM_001142576.2, NM_001304521.2 and 1 more transcripts); short protein forms Q11fs.
Identifiers: ClinVar variation 2060696 (VCV002060696.5), dbSNP rs1225476931, ClinGen allele CA833109279.
Genomic context (GRCh38, chr7:128,409,849, plus strand): 5'-GCGCTGTACCGCTGCGCCGCCGTCTCGTGTCCCGGGTGTTGCCGGGCTCCGGGCTCCGGA[ACAGCGGCGGCTCCGCCTCCCTG>A]CAGCGGTGGTGGAGTGAGTGGCCCCTCCATGCGGAGGCCGCAGCTCAGGGCGGGCGGGAG-3'

ClinVar aggregate classification (germline): Pathogenic. Review status: criteria provided, single submitter (1 of 4 stars). 2 submissions from 2 submitters: Pathogenic (1). 1 of the submissions does not count toward it. Last evaluated 2023-07-21.

Conditions:
Retinal dystrophy. Also called: Inherited retinal dystrophy. Identifiers: Orphanet 71862, MedGen C0854723, MeSH D058499, MONDO:0019118, HP:0000556.

Submissions (2):

Labcorp Genetics (formerly Invitae), Labcorp
Classification: Pathogenic. Last evaluated: 2023-07-21. Review status: criteria provided, single submitter. Criteria: Invitae Variant Classification Sherloc (09022015). Collection method: clinical testing. Allele origin: germline.
Comment: For these reasons, this variant has been classified as Pathogenic. ClinVar contains an entry for this variant (Variation ID: 2060696). This variant has not been reported in the literature in individuals affected with IMPDH1-related conditions. This variant is not present in population databases (gnomAD no frequency). This sequence change creates a premature translational stop signal (p.Gln11Phefs*73) in the IMPDH1 gene. It is expected to result in an absent or disrupted protein product. Loss-of-function variants in IMPDH1 are known to be pathogenic (PMID: 14981049, 33090715).

Institute of Human Genetics, Univ. Regensburg, Univ. Regensburg
Classification: Uncertain significance for Retinal dystrophy. Last evaluated: 2021-01-01. Review status: no assertion criteria provided. Criteria: ACMG Guidelines, 2015. Collection method: clinical testing. Allele origin: germline. Affected: yes. Not counted in ClinVar's aggregate classification.

Literature cited by the submitters: PubMed 14981049 (cited by Labcorp Genetics (formerly Invitae), Labcorp); PubMed 33090715 (cited by Labcorp Genetics (formerly Invitae), Labcorp).